The following is an entry in ClinVar:

ClinVar aggregate classification (germline): Pathogenic/Likely pathogenic. Review status: criteria provided, multiple submitters, no conflicts (2 of 4 stars). 3 submissions from 3 submitters: Pathogenic (2); Likely pathogenic (1). Last evaluated 2025-07-29.

Conditions:
Alveolar capillary dysplasia with pulmonary venous misalignment. Also called: Alveolar capillary dysplasia with misalignment of pulmonary veins; ALVEOLAR CAPILLARY DYSPLASIA WITH MISALIGNMENT OF PULMONARY VEINS AND OTHER CONGENITAL ANOMALIES; Congenital alveolar capillary dysplasia. Identifiers: Orphanet 210122, MedGen C2960310, MONDO:0009934, OMIM 265380.

Submissions (3):

Women's Health and Genetics/Laboratory Corporation of America, LabCorp
Classification: Likely pathogenic for Alveolar capillary dysplasia with pulmonary venous misalignment. Last evaluated: 2025-07-29. Review status: criteria provided, single submitter. Criteria: LabCorp Variant Classification Summary - May 2015. Collection method: clinical testing. Allele origin: germline.
Comment: Variant summary: FOXF1 c.899delT (p.Leu300ArgfsX79) results in a premature termination codon, predicted to cause a truncation of the encoded protein removing the C terminal activation domain (Sen_2013) of the 379 amino acid long protein. The variant was absent in 208722 control chromosomes (gnomAD). c.899delT has been observed in individuals affected with Alveolar Capillary Dysplasia With Pulmonary Venous Misalignment, and one of these cases has been described as a de novo occurrence (Sen_2013, Ito_2015, LapCorp internal data). To our knowledge, no experimental evidence demonstrating an impact on protein function has been reported. Several truncations downstream from codon 300 have been reported in affected individuals (HGMD), supporting a functional importance for the deleted region. The following publications have been ascertained in the context of this evaluation (PMID: 25899071, 23505205). ClinVar contains an entry for this variant (Variation ID: 1695721). Based on the evidence outlined above, the variant was classified as likely pathogenic.

Labcorp Genetics (formerly Invitae), Labcorp
Classification: Pathogenic. Last evaluated: 2025-07-06. Review status: criteria provided, single submitter. Criteria: Invitae Variant Classification Sherloc (09022015). Collection method: clinical testing. Allele origin: germline.
Comment: This sequence change creates a premature translational stop signal (p.Leu300Argfs*79) in the FOXF1 gene. While this is not anticipated to result in nonsense mediated decay, it is expected to disrupt the last 80 amino acid(s) of the FOXF1 protein. This variant is not present in population databases (gnomAD no frequency). This premature translational stop signal has been observed in individual(s) with alveolar capillary dysplasia with misalignment of pulmonary veins (PMID: 23505205, 25105258). In at least one individual the variant was observed to be de novo. ClinVar contains an entry for this variant (Variation ID: 1695721). For these reasons, this variant has been classified as Pathogenic.

GeneDx
Classification: Pathogenic. Last evaluated: 2022-01-05. Review status: criteria provided, single submitter. Criteria: GeneDx Variant Classification Process June 2021. Collection method: clinical testing. Allele origin: germline. Affected: yes.
Comment: Frameshift variant predicted to result in protein truncation, as the last 80 amino acids are replaced with 78 different amino acids, and other loss-of-function variants have been reported downstream in HGMD; Not observed at significant frequency in large population cohorts (gnomAD); This variant is associated with the following publications: (PMID: 25899071, 23505205)

Literature cited by the submitters: PubMed 25899071 (cited by Women's Health and Genetics/Laboratory Corporation of America, LabCorp); PubMed 23505205 (cited by Women's Health and Genetics/Laboratory Corporation of America, LabCorp and Labcorp Genetics (formerly Invitae), Labcorp); PubMed 25105258 (cited by Labcorp Genetics (formerly Invitae), Labcorp).

NM_001451.3(FOXF1):c.899del (p.Leu300fs)

Gene: FOXF1 (forkhead box F1; plus strand). Cytogenetic location: 16q24.1.
Variant type: Deletion.
Coding change: c.899del on transcript NM_001451.3 (MANE Select); coding-DNA position 899, one base deleted (T; older notation c.899delT).
Protein change: p.Leu300fs; shifts the reading frame from leucine 300.
Molecular consequence: frameshift variant.
Genome position (GRCh38, 1-based): chr16:86,511,468, T deleted. VCF-style (leftmost placement, unchanged base first): chr16-86511467-CT-C. GRCh37 (hg19) VCF-style: chr16-86545073-CT-C.
Other names: c.899delT (NM_001451.3); short protein forms L300fs.
Identifiers: ClinVar variation 1695721 (VCV001695721.4), dbSNP rs2143187074, ClinGen allele CA2580092192.